The following is an entry in ClinVar:

NC_012920.1(MT-ND3):m.10345T>C

Gene: MT-ND3 (mitochondrially encoded NADH dehydrogenase 3; plus strand).
Variant type: single nucleotide variant.
Genome position: chrM-10345-T-C.
Identifiers: ClinVar variation 693282 (VCV000693282.1), dbSNP rs201397417, ClinGen allele CA337098800.

ClinVar aggregate classification (germline): Benign (1 of 4 stars; one submission).

Conditions:
Leigh syndrome (NULS). Also called: Leigh's necrotizing encephalopathy; Leigh's disease; Leigh Syndrome (mtDNA deletion); Leigh Disease; Subacute necrotizing encephalopathy; Necrotizing encephalopathy infantile subacute of Leigh. Identifiers: Orphanet 506, MedGen C2931891, MONDO:0009723, OMIM 256000.

Submission:

Wong Mito Lab, Molecular and Human Genetics, Baylor College of Medicine
Classification: Benign for Leigh syndrome. Last evaluated: 2019-10-17. Review status: criteria provided, single submitter. Criteria: Modified ACMG Guidelines (Unpublished). Collection method: clinical testing. Allele origin: germline.
Comment: The NC_012920.1:m.10345T>C (YP_003024033.1:p.Ile96Thr) variant in MTND3 gene is interpretated to be a Benign variant based on the modified ACMG guidelines (unpublished). This variant meets the following evidence codes: BS1, BS2, BP4